The following is an entry in ClinVar:

NM_004371.4(COPA):c.251G>A (p.Arg84His)

Gene: COPA (coat protein complex I subunit alpha; minus strand). Cytogenetic location: 1q23.2.
Variant type: single nucleotide variant.
Coding change: c.251G>A on transcript NM_004371.4 (MANE Select); coding-DNA position 251, G replaced by A.
Protein change: p.Arg84His; replaces arginine 84 with histidine.
Molecular consequence: missense variant.
Genome position (GRCh38, 1-based): chr1:160,335,300, C>T on the plus strand (G>A on the coding strand, the complement: COPA is on the minus strand). VCF-style: chr1-160335300-C-T. GRCh37 (hg19) VCF-style: chr1-160305090-C-T.
Other names: c.251G>A, p.Arg84His (LRG_1336t1, NM_001098398.2); short protein forms R84H.
Identifiers: ClinVar variation 650500 (VCV000650500.9), dbSNP rs1252870201, ClinGen allele CA343271689.

ClinVar aggregate classification (germline): Likely benign. Review status: criteria provided, multiple submitters, no conflicts (2 of 4 stars). 2 submissions from 2 submitters: Likely benign (2). Last evaluated 2026-01-22.

Conditions:
Autoimmune interstitial lung disease-arthritis syndrome. Also called: Autoinflammation and autoimmunity, systemic, with immune dysregulation. Identifiers: Orphanet 444092, MedGen C5975714, MONDO:0014629.

Allele frequency attached by ClinVar (database versions not stated): gnomAD 0.00001; gnomAD exomes 0.00001; TOPMed 0.00002.
gnomAD v4.1: 13 of 1,610,646 alleles (0.00081%); highest among the groups gnomAD compares: Admixed American, 0.0034%; no homozygotes.

Submissions (2):

Labcorp Genetics (formerly Invitae), Labcorp
Classification: Likely benign for Autoimmune interstitial lung disease-arthritis syndrome. Last evaluated: 2026-01-22. Review status: criteria provided, single submitter. Criteria: Invitae Variant Classification Sherloc (09022015). Collection method: clinical testing. Allele origin: germline.

Genomic Medicine Center of Excellence, King Faisal Specialist Hospital and Research Centre
Classification: Likely benign for Autoinflammation and autoimmunity with immune dysregulation 1. Last evaluated: 2024-10-13. Review status: criteria provided, single submitter. Criteria: ACMG Guidelines, 2015. Collection method: clinical testing. Allele origin: germline.
Comment: This variant (GRCh38; NM_001098398.2:c.251G>A:p.Arg84His) results in a missense mutation with the conversion of Arginine (Basic amino acid) to Histidine (Basic amino acid) in the COPA protein. Observed in healthy adults individual for a dominant disorder. Missense variant in a gene for which primarily truncating variants are known to cause disease. A literature search was performed for the gene and associated variants. Based on this search no publications were found. Reputable source recently reports variant as benign. ClinVar contains an entry for this variant (Variation ID:650500) This variant is therefore classified as variant of Likely benign.